The following is an entry in ClinVar:

ClinVar aggregate classification (germline): Uncertain significance (1 of 4 stars; one submission).

Conditions:
Developmental and epileptic encephalopathy 94 (DEE94). Also called: Epileptic encephalopathy, childhood-onset; CHD2-Related Neurodevelopmental Disorders. Identifiers: Orphanet 1942, Orphanet 2382, MedGen C3809278, MONDO:0014150, OMIM 615369.

gnomAD v4.1: 4 of 1,590,330 alleles (0.00025%); highest among the groups gnomAD compares: South Asian, 0.0022%; no homozygotes.

Submission:

Labcorp Genetics (formerly Invitae), Labcorp
Classification: Uncertain significance for Developmental and epileptic encephalopathy 94. Last evaluated: 2025-07-23. Review status: criteria provided, single submitter. Criteria: Invitae Variant Classification Sherloc (09022015). Collection method: clinical testing. Allele origin: germline.
Comment: This sequence change replaces methionine, which is neutral and non-polar, with isoleucine, which is neutral and non-polar, at codon 2 of the CHD2 protein (p.Met2Ile). This variant is not present in population databases (gnomAD no frequency). This variant has not been reported in the literature in individuals affected with CHD2-related conditions. ClinVar contains an entry for this variant (Variation ID: 3636661). Invitae Evidence Modeling of protein sequence and biophysical properties (such as structural, functional, and spatial information, amino acid conservation, physicochemical variation, residue mobility, and thermodynamic stability) indicates that this missense variant is not expected to disrupt CHD2 protein function with a negative predictive value of 95%. In summary, the available evidence is currently insufficient to determine the role of this variant in disease. Therefore, it has been classified as a Variant of Uncertain Significance.

NM_001271.4(CHD2):c.6G>A (p.Met2Ile)

Gene: CHD2 (chromodomain helicase DNA binding protein 2; plus strand). Cytogenetic location: 15q26.1.
Variant type: single nucleotide variant.
Coding change: c.6G>A on transcript NM_001271.4 (MANE Select); coding-DNA position 6, G replaced by A.
Protein change: p.Met2Ile; replaces methionine 2 with isoleucine.
Molecular consequence: missense variant.
Genome position (GRCh38, 1-based): chr15:92,901,243, G>A. VCF-style: chr15-92901243-G-A. GRCh37 (hg19) VCF-style: chr15-93444473-G-A.
Other names: c.6G>A, p.Met2Ile (NM_001042572.3); short protein forms M2I.
Identifiers: ClinVar variation 3636661 (VCV003636661.2).
Genomic context (GRCh38, chr15:92,901,243, plus strand): 5'-GGACTTCAAAGCAAACACAGATTCCCCCTCCCCCTTAATATTTAAGAATTAAAAGATGAT[G>A]AGAAATAAGGACAAAAGCCAAGAGGAGGACAGTTCGCTACACAGCAATGCATCGAGGTAT-3'
Protein context (NP_001262.3, residues 1-12): M[Met2Ile]RNKDKSQEED